The following is an entry in ClinVar:

NM_052844.4(DYNC2I2):c.1294C>T (p.Gln432Ter)

Gene: DYNC2I2 (dynein 2 intermediate chain 2; minus strand). Cytogenetic location: 9q34.11.
Variant type: single nucleotide variant.
Coding change: c.1294C>T on transcript NM_052844.4 (MANE Select); coding-DNA position 1294, C replaced by T.
Protein change: p.Gln432Ter; replaces glutamine 432 with a stop codon.
Molecular consequence: nonsense.
Genome position (GRCh38, 1-based): chr9:128,634,304, G>A on the plus strand (C>T on the coding strand, the complement: DYNC2I2 is on the minus strand). VCF-style: chr9-128634304-G-A. GRCh37 (hg19) VCF-style: chr9-131396583-G-A.
Other names: short protein forms Q432*.
Identifiers: ClinVar variation 2112236 (VCV002112236.4), dbSNP rs1860313722, ClinGen allele CA375109607.
Genomic context (GRCh38, chr9:128,634,304, plus strand): 5'-CAAAAACCAAGGGCCGCACTGGGGACCAGCGCACAGCAAACAGATACTTGAGGGAGAGCT[G>A]CAGCGAAGTCAAGGGAGGGGCCTGCAGCATGGAGTACAGGTGGACATGCCCGTCAGTCCC-3'

ClinVar aggregate classification (germline): Pathogenic (1 of 4 stars; one submission).

Conditions:
Short-rib thoracic dysplasia 11 with or without polydactyly (SRTD11). Also called: SHORT-RIB THORACIC DYSPLASIA 11 WITHOUT POLYDACTYLY. Identifiers: Orphanet 474, Orphanet 93271, MedGen C3810200, MONDO:0014287, OMIM 615633.

Allele frequency attached by ClinVar (database versions not stated): gnomAD exomes below 0.00001; TOPMed 0.00001.
gnomAD v4.1: 1 of 1,613,652 alleles (0.000062%); highest among the groups gnomAD compares: Middle Eastern, 0.017%; no homozygotes.

Submission:

Labcorp Genetics (formerly Invitae), Labcorp
Classification: Pathogenic for Short-rib thoracic dysplasia 11 with or without polydactyly. Last evaluated: 2023-07-17. Review status: criteria provided, single submitter. Criteria: Invitae Variant Classification Sherloc (09022015). Collection method: clinical testing. Allele origin: germline.
Comment: For these reasons, this variant has been classified as Pathogenic. This sequence change creates a premature translational stop signal (p.Gln432*) in the WDR34 gene. It is expected to result in an absent or disrupted protein product. Loss-of-function variants in WDR34 are known to be pathogenic (PMID: 24183449, 24183451, 28379358). This variant is not present in population databases (gnomAD no frequency). This variant has not been reported in the literature in individuals affected with WDR34-related conditions. ClinVar contains an entry for this variant (Variation ID: 2112236).

Literature cited by the submitters: PubMed 24183449; PubMed 24183451; PubMed 28379358.